The following is an entry in ClinVar:

ClinVar aggregate classification (germline): Benign/Likely benign. Review status: criteria provided, multiple submitters, no conflicts (2 of 4 stars). 6 submissions from 6 submitters: Benign (3); Likely benign (3). Last evaluated 2025-12-22.

Allele frequency attached by ClinVar (database versions not stated): gnomAD exomes 0.00041 and 0.00107; ExAC 0.00130; 1000 Genomes Project 30x 0.00406; gnomAD 0.00416 and 0.00445; 1000 Genomes Project 0.00419; ESP Exome Variant Server 0.00438; TOPMed 0.00467.
gnomAD v4.1: 1,256 of 1,613,758 alleles (0.078%); highest among the groups gnomAD compares: African/African-American, 1.5%; 8 homozygotes.

Submissions (6):

Labcorp Genetics (formerly Invitae), Labcorp
Classification: Benign. Last evaluated: 2025-12-22. Review status: criteria provided, single submitter. Criteria: Invitae Variant Classification Sherloc (09022015). Collection method: clinical testing. Allele origin: germline.

Blueprint Genetics
Classification: Likely benign. Last evaluated: 2024-09-02. Review status: criteria provided, single submitter. Criteria: ACMG Guidelines, 2015. Collection method: clinical testing. Allele origin: germline.

GeneDx
Classification: Likely benign. Last evaluated: 2021-03-03. Review status: criteria provided, single submitter. Criteria: GeneDx Variant Classification Process June 2021. Collection method: clinical testing. Allele origin: germline. Affected: yes.

ARUP Laboratories, Molecular Genetics and Genomics, ARUP Laboratories
Classification: Benign. Last evaluated: 2020-04-17. Review status: criteria provided, single submitter. Criteria: ARUP Molecular Germline Variant Investigation Process. Collection method: clinical testing. Allele origin: germline.

Center for Pediatric Genomic Medicine, Children's Mercy Hospital and Clinics
Classification: Likely benign. Last evaluated: 2017-04-11. Review status: criteria provided, single submitter. Criteria: ACMG Guidelines, 2015. Collection method: clinical testing. Allele origin: germline.

Laboratory for Molecular Medicine, Mass General Brigham Personalized Medicine
Classification: Benign. Last evaluated: 2012-04-30. Review status: criteria provided, single submitter. Criteria: LMM Criteria. Collection method: clinical testing. Allele origin: germline. Observed: 4 variant alleles.
Comment: Ile276Val in Exon 08 of MYH14: This variant is not expected to have clinical sig nificance because it has been identified in 1.3% (48/3738) of African American c hromosomes from a broad population by the NHLBI Exome Sequencing Project (dbSNP rs55645295).

NM_001145809.2(MYH14):c.826A>G (p.Ile276Val)

Gene: MYH14 (myosin heavy chain 14; plus strand). Cytogenetic location: 19q13.33.
Variant type: single nucleotide variant.
Coding change: c.826A>G on transcript NM_001145809.2 (MANE Select); coding-DNA position 826, A replaced by G.
Protein change: p.Ile276Val; replaces isoleucine 276 with valine.
Molecular consequence: missense variant.
Genome position (GRCh38, 1-based): chr19:50,226,918, A>G. VCF-style: chr19-50226918-A-G. GRCh37 (hg19) VCF-style: chr19-50730175-A-G.
Other names: c.826A>G, p.Ile276Val (NM_001077186.2); c.802A>G, p.Ile268Val (NM_024729.4); short protein forms I276V, I268V.
Identifiers: ClinVar variation 178413 (VCV000178413.25), dbSNP rs55645295, ClinGen allele CA182278.